The following is an entry in ClinVar:

NM_001012720.2(RGR):c.305G>C (p.Ser102Thr)

Gene: RGR (retinal G protein coupled receptor; plus strand). Cytogenetic location: 10q23.1.
Variant type: single nucleotide variant.
Coding change: c.305G>C on transcript NM_001012720.2 (MANE Select); coding-DNA position 305, G replaced by C.
Protein change: p.Ser102Thr; replaces serine 102 with threonine.
Molecular consequence: missense variant.
Genome position (GRCh38, 1-based): chr10:84,248,990, G>C. VCF-style: chr10-84248990-G-C. GRCh37 (hg19) VCF-style: chr10-86008746-G-C.
Other names: c.305G>C, p.Ser102Thr (NM_001012722.2); c.317G>C, p.Ser106Thr (NM_002921.4); short protein forms S102T, S106T.
Identifiers: ClinVar variation 1475233 (VCV001475233.6), dbSNP rs1237096528, ClinGen allele CA377391192.

ClinVar aggregate classification (germline): Uncertain significance (1 of 4 stars; one submission).

Submission:

Labcorp Genetics (formerly Invitae), Labcorp
Classification: Uncertain significance. Last evaluated: 2021-10-29. Review status: criteria provided, single submitter. Criteria: Invitae Variant Classification Sherloc (09022015). Collection method: clinical testing. Allele origin: germline.
Comment: In summary, the available evidence is currently insufficient to determine the role of this variant in disease. Therefore, it has been classified as a Variant of Uncertain Significance. Algorithms developed to predict the effect of missense changes on protein structure and function are either unavailable or do not agree on the potential impact of this missense change (SIFT: "Deleterious"; PolyPhen-2: "Not Available"; Align-GVGD: "Class C0"). This variant has not been reported in the literature in individuals affected with RGR-related conditions. This variant is not present in population databases (gnomAD no frequency). This sequence change replaces serine, which is neutral and polar, with threonine, which is neutral and polar, at codon 102 of the RGR protein (p.Ser102Thr).